The following is an entry in ClinVar:

NM_003119.4(SPG7):c.1775T>G (p.Met592Arg)

Gene: SPG7 (SPG7 matrix AAA peptidase subunit, paraplegin; plus strand). Cytogenetic location: 16q24.3.
Variant type: single nucleotide variant.
Coding change: c.1775T>G on transcript NM_003119.4 (MANE Select); coding-DNA position 1775, T replaced by G.
Protein change: p.Met592Arg; replaces methionine 592 with arginine.
Molecular consequence: missense variant.
Genome position (GRCh38, 1-based): chr16:89,550,605, T>G. VCF-style: chr16-89550605-T-G. GRCh37 (hg19) VCF-style: chr16-89617013-T-G.
Other names: c.1775T>G, p.Met592Arg (NM_001363850.1); short protein forms M592R.
Identifiers: ClinVar variation 321285 (VCV000321285.8), dbSNP rs781314016, ClinGen allele CA8244386.

ClinVar aggregate classification (germline): Uncertain significance. Review status: criteria provided, multiple submitters, no conflicts (2 of 4 stars). 3 submissions from 3 submitters: Uncertain significance (3). Last evaluated 2025-01-19.

Conditions:
Hereditary spastic paraplegia 7 (SPG7). Also called: Autosomal recessive spastic paraplegia type 7; SPG7-related neurologic disorder; Spastic paraplegia 7; Hereditary spastic paraplegia Paraplegin type; SPASTIC PARAPLEGIA 7, AUTOSOMAL RECESSIVE, WITH OR WITHOUT CEREBELLAR ATAXIA. Identifiers: Orphanet 99013, MedGen C1846564, MONDO:0011803, OMIM 607259.

Allele frequency attached by ClinVar (database versions not stated): ExAC 0.00002; gnomAD 0.00002; gnomAD exomes 0.00002; TOPMed 0.00002.
gnomAD v4.1: 88 of 1,611,740 alleles (0.0055%); highest among the groups gnomAD compares: Non-Finnish European, 0.0069%; no homozygotes.

Submissions (3):

Labcorp Genetics (formerly Invitae), Labcorp
Classification: Uncertain significance for Hereditary spastic paraplegia 7. Last evaluated: 2025-01-19. Review status: criteria provided, single submitter. Criteria: Invitae Variant Classification Sherloc (09022015). Collection method: clinical testing. Allele origin: germline.
Comment: This sequence change replaces methionine, which is neutral and non-polar, with arginine, which is basic and polar, at codon 592 of the SPG7 protein (p.Met592Arg). This variant is present in population databases (rs781314016, gnomAD 0.004%). This variant has not been reported in the literature in individuals affected with SPG7-related conditions. ClinVar contains an entry for this variant (Variation ID: 321285). Invitae Evidence Modeling of protein sequence and biophysical properties (such as structural, functional, and spatial information, amino acid conservation, physicochemical variation, residue mobility, and thermodynamic stability) indicates that this missense variant is not expected to disrupt SPG7 protein function with a negative predictive value of 80%. In summary, the available evidence is currently insufficient to determine the role of this variant in disease. Therefore, it has been classified as a Variant of Uncertain Significance.

Blueprint Genetics
Classification: Uncertain significance. Last evaluated: 2024-11-06. Review status: criteria provided, single submitter. Criteria: ACMG Guidelines, 2015. Collection method: clinical testing. Allele origin: germline.

Illumina Laboratory Services, Illumina
Classification: Uncertain significance for Hereditary spastic paraplegia 7. Last evaluated: 2018-01-13. Review status: criteria provided, single submitter. Criteria: ICSL Variant Classification Criteria 13 December 2019. Collection method: clinical testing. Allele origin: germline.